The following is an entry in ClinVar:

ClinVar aggregate classification (germline): Uncertain significance. Review status: criteria provided, single submitter (1 of 4 stars). 2 submissions from 2 submitters: Uncertain significance (1). 1 of the submissions does not count toward it.

Conditions:
Spondyloperipheral dysplasia. Also called: Spondyloperipheral dysplasia-short ulna syndrome; SPONDYLOPERIPHERAL DYSPLASIA WITH SHORT ULNA. Identifiers: Orphanet 1856, MedGen C0796173, MONDO:0010078, OMIM 271700.
Stickler syndrome, type I, nonsyndromic ocular. Also called: STICKLER SYNDROME, TYPE I, PREDOMINANTLY OCULAR; STICKLER SYNDROME, ATYPICAL. Identifiers: MedGen C1836080, MONDO:0012287, OMIM 609508.

Submissions (2):

Neuberg Centre For Genomic Medicine, NCGM
Classification: Uncertain significance for Stickler syndrome, type I, nonsyndromic ocular. Review status: criteria provided, single submitter. Criteria: ACMG Guidelines, 2015. Collection method: clinical testing. Allele origin: germline. Inheritance: Autosomal recessive inheritance. Affected: yes.
Comment: The frameshift deletion p.G1446Afs*25 in COL2A1 (NM_001844.5) has been reported to ClinVar as Pathogenic. The p.G1446Afs*25 variant is novel (not in any individuals) in gnomAD Exomes and is novel (not in any individuals) in 1000 Genomes. The frame shifted sequence continues 25 residues until a stop codon is reached. The p.G1446Afs*25 variant is a loss of function variant in the gene COL2A1, which is intolerant of Loss of Function variants. Since, the variant is present in last exon, functional studies will be required to prove protein truncation. For these reasons, this variant has been classified as Uncertain Significance.

OMIM
Classification: Pathogenic for SPONDYLOPERIPHERAL DYSPLASIA. Last evaluated: 2004-08-30. Review status: no assertion criteria provided. Collection method: literature only. Allele origin: germline. Not counted in ClinVar's aggregate classification.

Literature cited by the submitters: PubMed 15316962 (cited by OMIM); PubMed 8723097 (cited by OMIM).

NM_001844.5(COL2A1):c.4337del (p.Gly1446fs)

Gene: COL2A1 (collagen type II alpha 1 chain; minus strand). Cytogenetic location: 12q13.11.
Variant type: Deletion.
Coding change: c.4337del on transcript NM_001844.5 (MANE Select); coding-DNA position 4337, one base deleted (G; older notation c.4337delG).
Protein change: p.Gly1446fs; shifts the reading frame from glycine 1446.
Molecular consequence: frameshift variant.
Genome position (GRCh38, 1-based): chr12:47,973,534, C deleted on the plus strand (G on the coding strand, the reverse complement: COL2A1 is on the minus strand); the first of 4 consecutive C bases (chr12:47,973,534-47,973,537); deleting any one gives the same sequence. VCF-style (leftmost placement, unchanged base first): chr12-47973533-GC-G. GRCh37 (hg19) VCF-style: chr12-48367316-GC-G.
Other names: c.4130del, p.Gly1377fs (NM_033150.3); short protein forms G1377fs, G1446fs.
Identifiers: ClinVar variation 17391 (VCV000017391.1), dbSNP rs1565664375, ClinGen allele CA891843482.